The following is an entry in ClinVar:

ClinVar aggregate classification (germline): Benign. Review status: criteria provided, single submitter (1 of 4 stars). 2 submissions from 2 submitters: Benign (1). 1 of the submissions does not count toward it. Last evaluated 2019-12-31.

Conditions:
ACACB-related disorder. Also called: ACACB-related condition.

Allele frequency attached by ClinVar (database versions not stated): ExAC 0.00232; gnomAD 0.00712 and 0.00756; ESP Exome Variant Server 0.00769; TOPMed 0.00799; 1000 Genomes Project 0.00958; 1000 Genomes Project 30x 0.01077.
gnomAD v4.1: 2,122 of 1,613,852 alleles (0.13%); highest among the groups gnomAD compares: African/African-American, 2.4%; 31 homozygotes.

Submissions (2):

Labcorp Genetics (formerly Invitae), Labcorp
Classification: Benign. Last evaluated: 2019-12-31. Review status: criteria provided, single submitter. Criteria: Invitae Variant Classification Sherloc (09022015). Collection method: clinical testing. Allele origin: germline.

PreventionGenetics, part of Exact Sciences
Classification: Benign for ACACB-related condition. Last evaluated: 2019-04-30. Review status: no assertion criteria provided. Collection method: clinical testing. Allele origin: germline. Not counted in ClinVar's aggregate classification.
Comment: This variant is classified as benign based on ACMG/AMP sequence variant interpretation guidelines (Richards et al. 2015 PMID: 25741868, with internal and published modifications).

NM_001093.4(ACACB):c.5361T>C (p.Asp1787=)

Gene: ACACB (acetyl-CoA carboxylase beta; plus strand). Cytogenetic location: 12q24.11.
Variant type: single nucleotide variant.
Coding change: c.5361T>C on transcript NM_001093.4 (MANE Select); coding-DNA position 5361, T replaced by C.
Protein change: p.Asp1787=; no amino-acid change (aspartic acid 1787 retained).
Molecular consequence: synonymous variant.
Genome position (GRCh38, 1-based): chr12:109,246,238, T>C. VCF-style: chr12-109246238-T-C. GRCh37 (hg19) VCF-style: chr12-109684043-T-C.
Identifiers: ClinVar variation 784256 (VCV000784256.6), dbSNP rs113691648, ClinGen allele CA6774722.